The following is an entry in ClinVar:

ClinVar aggregate classification (germline): Conflicting classifications of pathogenicity. Review status: criteria provided, conflicting classifications (1 of 4 stars). 4 submissions from 4 submitters: Uncertain significance (3); Likely benign (1). Last evaluated 2025-07-30.

Conditions:
Hereditary cancer-predisposing syndrome. Also called: Hereditary neoplastic syndrome; Tumor predisposition; Neoplastic Syndromes, Hereditary; Hereditary Cancer Syndrome. Identifiers: Orphanet 140162, MedGen C0027672, MeSH D009386, MONDO:0015356.
Isolated focal cortical dysplasia type II (FCORD2). Also called: Focal cortical dysplasia type II; CORTICAL DYSPLASIA OF TAYLOR. Identifiers: Orphanet 268994, MedGen C1846385, MONDO:0011818, OMIM 607341, HP:0032051.
Tuberous sclerosis 1 (TSC1). Identifiers: Orphanet 805, MedGen C1854465, MONDO:0008612, OMIM 191100.
Lymphangiomyomatosis (LAM). Also called: Lymphangioleiomyomatosis, somatic; Lymphangioleiomyomatosis. Identifiers: Orphanet 538, MedGen C0751674, MONDO:0011705, OMIM 606690.
Tuberous sclerosis syndrome (TSC). Also called: Tuberous Sclerosis Complex; Tuberous sclerosis. Identifiers: Orphanet 805, MedGen C0041341, MONDO:0001734.

Allele frequency attached by ClinVar (database versions not stated): gnomAD exomes below 0.00001 and 0.00001.
gnomAD v4.1: 12 of 1,614,136 alleles (0.00074%); highest among the groups gnomAD compares: Non-Finnish European, 0.001%; no homozygotes.

Submissions (4):

Labcorp Genetics (formerly Invitae), Labcorp
Classification: Likely benign for Tuberous sclerosis 1. Last evaluated: 2025-07-30. Review status: criteria provided, single submitter. Criteria: Invitae Variant Classification Sherloc (09022015). Collection method: clinical testing. Allele origin: germline.

Ambry Genetics
Classification: Uncertain significance for Hereditary cancer-predisposing syndrome. Last evaluated: 2024-06-14. Review status: criteria provided, single submitter. Criteria: Ambry Variant Classification Scheme 2023. Collection method: clinical testing. Allele origin: germline.
Comment: The p.Q758K variant (also known as c.2272C>A), located in coding exon 16 of the TSC1 gene, results from a C to A substitution at nucleotide position 2272. The glutamine at codon 758 is replaced by lysine, an amino acid with similar properties. This amino acid position is conserved. In addition, the in silico prediction for this alteration is inconclusive. Based on the available evidence, the clinical significance of this variant remains unclear.

Fulgent Genetics
Classification: Uncertain significance for Tuberous sclerosis 1; Lymphangiomyomatosis; Isolated focal cortical dysplasia type II. Last evaluated: 2024-06-05. Review status: criteria provided, single submitter. Criteria: ACMG Guidelines, 2015. Collection method: clinical testing. Allele origin: germline.

All of Us Research Program, National Institutes of Health
Classification: Uncertain significance for Tuberous sclerosis syndrome. Last evaluated: 2023-08-08. Review status: criteria provided, single submitter. Criteria: ACMG Guidelines, 2015. Collection method: clinical testing. Allele origin: germline. Inheritance: Autosomal dominant inheritance. Observed: 1 variant allele, 1 heterozygote.
Comment: This missense variant replaces glutamine with lysine at codon 758 of the TSC1 protein. Computational prediction suggests that this variant may not impact protein structure and function (internally defined REVEL score threshold <= 0.5, PMID: 27666373). To our knowledge, functional studies have not been reported for this variant. This variant has not been reported in individuals affected with TSC1-related disorders in the literature. This variant has been identified in 1/251404 chromosomes in the general population by the Genome Aggregation Database (gnomAD). The available evidence is insufficient to determine the role of this variant in disease conclusively. Therefore, this variant is classified as a Variant of Uncertain Significance.

This study involves interpretation of variants in research participants for the purpose of population health screening. Participant phenotype was not available at the time of variant classification. Additional details can be found in publication PMID: 35346344, PMCID: PMC8962531

NM_000368.5(TSC1):c.2272C>A (p.Gln758Lys)

Gene: TSC1 (TSC complex subunit 1; minus strand). Cytogenetic location: 9q34.13.
Variant type: single nucleotide variant.
Coding change: c.2272C>A on transcript NM_000368.5 (MANE Select); coding-DNA position 2272, C replaced by A.
Protein change: p.Gln758Lys; replaces glutamine 758 with lysine.
Molecular consequence: missense variant.
Genome position (GRCh38, 1-based): chr9:132,902,724, G>T on the plus strand (C>A on the coding strand, the complement: TSC1 is on the minus strand). VCF-style: chr9-132902724-G-T. GRCh37 (hg19) VCF-style: chr9-135778111-G-T.
Other names: c.2269C>A, p.Gln757Lys (NM_001162426.2); c.2119C>A, p.Gln707Lys (NM_001162427.2); c.1909C>A, p.Gln637Lys (NM_001362177.2); short protein forms Q707K, Q758K, Q637K, Q757K.
Identifiers: ClinVar variation 956625 (VCV000956625.12), dbSNP rs397514783, ClinGen allele CA375359815.